The following is an entry in ClinVar:

ClinVar aggregate classification (germline): Uncertain significance (1 of 4 stars; one submission).

Conditions:
Ehlers-Danlos syndrome, kyphoscoliotic type, 2. Also called: Ehlers-Danlos syndrome with progressive kyphoscoliosis, myopathy, and hearing loss; Ehlers-Danlos syndrome, kyphoscoliotic and deafness type; FKBP14-Kyphoscoliotic Ehlers-Danlos Syndrome. Identifiers: Orphanet 300179, MedGen C3281160, MONDO:0013800, OMIM 614557.

Submission:

Labcorp Genetics (formerly Invitae), Labcorp
Classification: Uncertain significance for Ehlers-Danlos syndrome with progressive kyphoscoliosis, myopathy, and hearing loss. Last evaluated: 2019-05-24. Review status: criteria provided, single submitter. Criteria: Invitae Variant Classification Sherloc (09022015). Collection method: clinical testing. Allele origin: germline.
Comment: This sequence change replaces aspartic acid with glutamic acid at codon 194 of the FKBP14 protein (p.Asp194Glu). The aspartic acid residue is highly conserved and there is a small physicochemical difference between aspartic acid and glutamic acid. This variant is not present in population databases (ExAC no frequency). This variant has not been reported in the literature in individuals with FKBP14-related conditions. Algorithms developed to predict the effect of missense changes on protein structure and function are either unavailable or do not agree on the potential impact of this missense change (SIFT: "Deleterious"; PolyPhen-2: "Possibly Damaging"; Align-GVGD: "Class C0"). In summary, the available evidence is currently insufficient to determine the role of this variant in disease. Therefore, it has been classified as a Variant of Uncertain Significance.

NM_017946.4(FKBP14):c.582C>G (p.Asp194Glu)

Genes: FKBP14-AS1 (FKBP14 antisense RNA 1; plus strand), FKBP14 (FKBP prolyl isomerase 14; minus strand). Cytogenetic location: 7p14.3.
Variant type: single nucleotide variant.
Coding change: c.582C>G on transcript NM_017946.4 (MANE Select); coding-DNA position 582, C replaced by G.
Protein change: p.Asp194Glu; replaces aspartic acid 194 with glutamic acid.
Molecular consequence: missense variant. On other transcripts: non-coding transcript variant (2).
Genome position (GRCh38, 1-based): chr7:30,014,789, G>C on the plus strand (C>G on the coding strand, the complement: FKBP14 is on the minus strand). VCF-style: chr7-30014789-G-C. GRCh37 (hg19) VCF-style: chr7-30054405-G-C.
Other names: short protein forms D194E.
Identifiers: ClinVar variation 945543 (VCV000945543.1), dbSNP rs1347395907, ClinGen allele CA367116229.
Genomic context (GRCh38, chr7:30,014,789, plus strand): 5'-GTATCTCTATAACTCATCGTGTTTATATGTAAATTCTCTGGCAGATATAAACCCATCTTT[G>C]TCTTCATCTTCTTTATCAAAAATATCCTCCACCAAAGCATCATGATGACTTTCATTCACC-3'
Protein context (NP_060416.1, residues 184-204): VEDIFDKEDE[Asp194Glu]KDGFISAREF